The following is an entry in ClinVar:

NM_017947.4(MOCOS):c.2367del (p.Glu790fs)

Gene: MOCOS (molybdenum cofactor sulfurase; plus strand). Cytogenetic location: 18q12.2.
Variant type: Deletion.
Coding change: c.2367del on transcript NM_017947.4 (MANE Select); coding-DNA position 2367, one base deleted (A; older notation c.2367delA).
Protein change: p.Glu790fs; shifts the reading frame from glutamic acid 790.
Molecular consequence: frameshift variant.
Genome position (GRCh38, 1-based): chr18:36,260,133, A deleted; the last of 2 consecutive A bases (chr18:36,260,132-36,260,133); deleting either gives the same sequence. VCF-style (leftmost placement, unchanged base first): chr18-36260131-GA-G. GRCh37 (hg19) VCF-style: chr18-33840094-GA-G.
Other names: short protein forms E790fs.
Identifiers: ClinVar variation 3341371 (VCV003341371.1).

ClinVar aggregate classification (germline): Likely pathogenic (1 of 4 stars; one submission).

Conditions:
Xanthinuria type II. Also called: Xanthine dehydrogenase and aldehyde oxidase combined deficiency of; XDH and AOX dual deficiency. Identifiers: Orphanet 3467, Orphanet 93602, MedGen C1863688, MONDO:0011346, OMIM 603592.

Submission:

Neuberg Centre For Genomic Medicine, NCGM
Classification: Likely pathogenic for Xanthinuria type II. Last evaluated: 2023-05-20. Review status: criteria provided, single submitter. Criteria: ACMG Guidelines, 2015. Collection method: clinical testing. Allele origin: germline. Inheritance: Autosomal recessive inheritance. Affected: yes.
Comment: The observed frameshift c.2367del (p.Glu790ArgfsTer24) variant in MOCOS gene has not been reported previously as a pathogenic variant nor as a benign variant, to our knowledge. The p.Glu790ArgfsTer24 variant is absent in gnomAD Exomes. This variant has not been submitted to the ClinVar database. This variant causes a frameshift starting with codon Glutamic Acid 790, changes this amino acid to Arginine residue, and creates a premature Stop codon at position 24 of the new reading frame, denoted p.Glu790ArgfsTer24. This variant is predicted to cause loss of normal protein function through protein truncation. However, additional functional studies will be required to prove the pathogenicity of this variant. For these reasons, this variant has been classified as Likely Pathogenic.